The following is an entry in ClinVar:

ClinVar aggregate classification (germline): Likely benign (1 of 4 stars; one submission).

Submission:

CeGaT Center for Human Genetics Tuebingen
Classification: Likely benign. Last evaluated: 2026-07-01. Review status: criteria provided, single submitter. Criteria: CeGaT Center For Human Genetics Tuebingen Variant Classification Criteria Version 2. Collection method: clinical testing. Allele origin: germline. Affected: yes. Observed: 1 variant allele.
Comment: LHFPL3: BP4

NM_199000.3(LHFPL3):c.-7_-2del

Gene: LHFPL3 (LHFPL tetraspan subfamily member 3; plus strand). Cytogenetic location: 7q22.2.
Variant type: Deletion.
Coding change: c.-7_-2del on transcript NM_199000.3 (MANE Select); 7 bases upstream of the start codon through 2 bases upstream of the start codon, 6 bases deleted (GGGGAG; older notation c.-7_-2delGGGGAG).
Molecular consequence: 5 prime UTR variant.
Genome position (GRCh38, 1-based): chr7:104,328,773-104,328,778, GGGGAG deleted; deleting any 6 consecutive bases within chr7:104,328,769-104,328,778 gives the same sequence; the c. name uses the placement nearest the transcript's 3' end. VCF-style (leftmost placement, unchanged base first): chr7-104328768-AGGAGGG-A. GRCh37 (hg19) VCF-style: chr7-103969216-AGGAGGG-A.
Other names: c.-7_-2del (NM_001386065.1).
Identifiers: ClinVar variation 5039050 (VCV005039050.1).
Genomic context (GRCh38, chr7:104,328,768, plus strand): 5'-GTCTCCTGCGCGCTGAGAGGCGGGGGGAGGCGGAGGACCAGGAGGAGGAGGAGGAGGAGG[AGGAGGG>A]GGAGAATGCCCGGAGCCGCCGCCGCTGCCGCCGCCGCCGCCGCCGCGATGCTCCCGGCTC-3'